The following is an entry in ClinVar:

ClinVar aggregate classification (germline): Uncertain significance (1 of 4 stars; one submission).

Submission:

Labcorp Genetics (formerly Invitae), Labcorp
Classification: Uncertain significance. Last evaluated: 2022-05-13. Review status: criteria provided, single submitter. Criteria: Invitae Variant Classification Sherloc (09022015). Collection method: clinical testing. Allele origin: germline.
Comment: In summary, the available evidence is currently insufficient to determine the role of this variant in disease. Therefore, it has been classified as a Variant of Uncertain Significance. Algorithms developed to predict the effect of missense changes on protein structure and function (SIFT, PolyPhen-2, Align-GVGD) all suggest that this variant is likely to be tolerated. This variant has not been reported in the literature in individuals affected with PDHX-related conditions. This variant is present in population databases (rs748567027, gnomAD 0.003%). This sequence change replaces leucine, which is neutral and non-polar, with valine, which is neutral and non-polar, at codon 451 of the PDHX protein (p.Leu451Val).

NM_003477.3(PDHX):c.1351C>G (p.Leu451Val)

Gene: PDHX (pyruvate dehydrogenase complex component X; plus strand). Cytogenetic location: 11p13.
Variant type: single nucleotide variant.
Coding change: c.1351C>G on transcript NM_003477.3 (MANE Select); coding-DNA position 1351, C replaced by G.
Protein change: p.Leu451Val; replaces leucine 451 with valine.
Molecular consequence: missense variant.
Genome position (GRCh38, 1-based): chr11:34,995,017, C>G. VCF-style: chr11-34995017-C-G. GRCh37 (hg19) VCF-style: chr11-35016564-C-G.
Other names: c.1171C>G, p.Leu391Val (NM_001135024.2); c.670C>G, p.Leu224Val (NM_001166158.2); short protein forms L391V, L224V, L451V.
Identifiers: ClinVar variation 1968733 (VCV001968733.5), dbSNP rs748567027, ClinGen allele CA5946185.
Genomic context (GRCh38, chr11:34,995,017, plus strand): 5'-GTGATTAACCCTCCTCAGGCCTGCATTTTGGCGGTTGGGAGGTTCCGACCTGTGCTGAAG[C>G]TCACTGAGGATGAAGAGGGAAATGCCAAACTGCAGCAGCGCCAGCTCATAACAGTCACAA-3'
Protein context (NP_003468.2, residues 441-461): AVGRFRPVLK[Leu451Val]TEDEEGNAKL